The following is an entry in ClinVar:

NM_004522.3(KIF5C):c.1293+18C>A

Gene: KIF5C (kinesin family member 5C; plus strand). Cytogenetic location: 2q23.1.
Variant type: single nucleotide variant.
Coding change: c.1293+18C>A on transcript NM_004522.3 (MANE Select); 18 bases into the intron after coding-DNA position 1293, C replaced by A.
Molecular consequence: intron variant.
Genome position (GRCh38, 1-based): chr2:148,973,529, C>A. VCF-style: chr2-148973529-C-A. GRCh37 (hg19) VCF-style: chr2-149830043-C-A.
Identifiers: ClinVar variation 518204 (VCV000518204.2), dbSNP rs541237023, ClinGen allele CA1901407.

ClinVar aggregate classification (germline): Likely benign. Review status: criteria provided, multiple submitters, no conflicts (2 of 4 stars). 2 submissions from 2 submitters: Likely benign (2). Last evaluated 2024-09-16.

Allele frequency attached by ClinVar (database versions not stated): ExAC 0.00001; gnomAD 0.00001; gnomAD exomes 0.00001; 1000 Genomes Project 30x 0.00016; 1000 Genomes Project 0.00020.
gnomAD v4.1: 12 of 1,590,572 alleles (0.00075%); highest among the groups gnomAD compares: African/African-American, 0.004%; no homozygotes.

Submissions (2):

Blueprint Genetics
Classification: Likely benign. Last evaluated: 2024-09-16. Review status: criteria provided, single submitter. Criteria: ACMG Guidelines, 2015. Collection method: clinical testing. Allele origin: germline.

GeneDx
Classification: Likely benign. Last evaluated: 2017-06-21. Review status: criteria provided, single submitter. Criteria: GeneDx Variant Classification (06012015). Collection method: clinical testing. Allele origin: germline. Affected: yes.
Comment: This variant is considered likely benign or benign based on one or more of the following criteria: it is a conservative change, it occurs at a poorly conserved position in the protein, it is predicted to be benign by multiple in silico algorithms, and/or has population frequency not consistent with disease.